The following is an entry in ClinVar:

ClinVar aggregate classification (germline): Pathogenic/Likely pathogenic. Review status: criteria provided, multiple submitters, no conflicts (2 of 4 stars). 10 submissions from 10 submitters: Pathogenic (7); Likely pathogenic (1). 2 of the submissions do not count toward it. Last evaluated 2026-09-22.

Conditions:
PYGM-related disorder. Also called: PYGM-related condition.
Glycogen storage disease, type V (GSD5). Also called: MUSCLE GLYCOGEN PHOSPHORYLASE DEFICIENCY; MYOPHOSPHORYLASE DEFICIENCY; PYGM DEFICIENCY; McArdle type glycogen storage disease; MCARDLE DISEASE. Identifiers: Orphanet 368, MedGen C0017924, MONDO:0009293, OMIM 232600.

Submissions (10):

PreventionGenetics, part of Exact Sciences
Classification: Pathogenic for PYGM-related condition. Last evaluated: 2026-09-22. Review status: criteria provided, single submitter. Criteria: ACMG Guidelines, 2015. Collection method: clinical testing. Allele origin: germline.
Comment: The PYGM c.2128_2130delTTC variant is predicted to result in an in-frame deletion (p.Phe710del). This variant has been reported in both the homozygous state and compound heterozygous state in multiple individuals with clinical and biochemical characteristics consistent with McArdle disease (Tsujino et al. 1994. PubMed ID: 8279469; Park et al. 2014. PubMed ID: 25045239; Inal-Gültekin et al. 2017. PubMed ID: 28967462; Ugur et al. 2019. PubMed ID: 31320798), and is considered a common cause for disease in the Japanese population (Sugie et al. 1995. PubMed ID: 7664468; Kang et al. 2021. PubMed ID: 34373715). This variant is reported in 0.016% of alleles in individuals of East Asian descent in gnomAD, and it is interpreted as pathogenic/likely pathogenic in the ClinVar database (Variation ID: 139609). This variant is interpreted as pathogenic.

Fulgent Genetics
Classification: Pathogenic for Glycogen storage disease, type V. Last evaluated: 2024-06-15. Review status: criteria provided, single submitter. Criteria: ACMG Guidelines, 2015. Collection method: clinical testing. Allele origin: germline.

Natera, Inc.
Classification: Pathogenic for Glycogen storage disease V. Last evaluated: 2024-05-10. Review status: criteria provided, single submitter. Criteria: Natera Variant Classification Schema (03/2026). Collection method: clinical testing. Allele origin: germline.
Comment: The c.2128_2130delTTC variant in PYGM is an in-frame deletion predicted to remove phenylalanine at amino acid 710 while preserving the reading frame. This variant is rare in the general population with a frequency below the threshold expected for the associated phenotype(s). This variant has been observed in one or more individuals affected with the associated recessive disease, as either homozygous or compound heterozygous with a second variant (PMID: 25045239, 7664468). Given the available evidence, this variant is classified as Pathogenic.

Labcorp Genetics (formerly Invitae), Labcorp
Classification: Pathogenic for Glycogen storage disease, type V. Last evaluated: 2024-02-12. Review status: criteria provided, single submitter. Criteria: Invitae Variant Classification Sherloc (09022015). Collection method: clinical testing. Allele origin: germline.
Comment: This variant, c.2128_2130del, results in the deletion of 1 amino acid(s) of the PYGM protein (p.Phe710del), but otherwise preserves the integrity of the reading frame. This variant is present in population databases (rs527236147, gnomAD 0.02%). This variant has been observed in individuals with PYGM-related conditions (PMID: 7664468, 7951211, 8279469, 25045239, 28967462, 31320798). It has also been observed to segregate with disease in related individuals. This variant is also known as Phe708del and Phe709del. ClinVar contains an entry for this variant (Variation ID: 139609). For these reasons, this variant has been classified as Pathogenic.

Baylor Genetics
Classification: Pathogenic for Glycogen storage disease, type V. Last evaluated: 2024-01-31. Review status: criteria provided, single submitter. Criteria: ACMG Guidelines, 2015. Collection method: clinical testing. Allele origin: unknown.

Women's Health and Genetics/Laboratory Corporation of America, LabCorp
Classification: Pathogenic for Glycogen storage disease, type V. Last evaluated: 2022-02-02. Review status: criteria provided, single submitter. Criteria: LabCorp Variant Classification Summary - May 2015. Collection method: clinical testing. Allele origin: germline.
Comment: Variant summary: PYGM c.2128_2130delTTC (p.Phe710del) results in an in-frame deletion that is predicted to remove one amino acid from the encoded protein. The variant allele was found at a frequency of 1.2e-05 in 251490 control chromosomes. c.2128_2130delTTC has been reported in the literature in multiple individuals affected with Glycogen Storage Disease, Type V (example, Sugie_1995, Park_2014, Ugur_2019). These data indicate that the variant is very likely to be associated with disease. At least one publication reports experimental evidence evaluating an impact on protein function (example, Sugie_1995). The most pronounced variant effect results in <5% of normal muscle myophosphorylase enzyme activity. Three clinical diagnostic laboratories have submitted clinical-significance assessments for this variant to ClinVar after 2014 without evidence for independent evaluation. All laboratories classified the variant as pathogenic/likely pathogenic. Based on the evidence outlined above, the variant was classified as pathogenic.

Revvity Omics, Revvity
Classification: Likely pathogenic for Glycogen storage disease, type V. Last evaluated: 2020-08-18. Review status: criteria provided, single submitter. Criteria: ACMG Guidelines, 2015. Collection method: clinical testing. Allele origin: germline.

Illumina Laboratory Services, Illumina
Classification: Pathogenic for Glycogen storage disease, type V. Last evaluated: 2017-07-10. Review status: criteria provided, single submitter. Criteria: ICSL Variant Classification Criteria 09 May 2019. Collection method: clinical testing. Allele origin: germline.
Comment: The PYGM c.2128_2130delTTC (p.Phe710del) variant result in an inframe deletion. Across a selection of the available literature, the p.Phe710del variant has been identified in a total of 13 individuals with glycogen storage disease type V including 11 in a homozygous state and two in a compound heterozygous state (Tsujino et al. 1994; Tsujino et al. 1994; Sugie et al. 1995; Park et al. 2014; Inal-GÃ¼ltekin et al. 2017). Six of the homozygous patients were pairs of siblings. The second variant in the compound heterozygous patients was either a frameshift resulting in premature termination or an unidentified variant that resulted in weak gene expression. The p.Phe710del variant segregated with disease in one family that consisted of two affected homozygous siblings and two unaffected heterozygous carrier parents (Tsujino et al. 1994a). The p.Phe710del variant was absent from 163 controls (Tsujino et al. 1994a; Sugie et al. 1995; Inal-GÃ¼ltekin et al. 2017) and is reported at a frequency of 0.00023 in the East Asian population of the Genome Aggregation Database. Based on the collective evidence, the p.Phe710del variant is classified as pathogenic for glycogen storage disease type V. This variant was observed by ICSL as part of a predisposition screen in an ostensibly healthy population.

Counsyl
Classification: Likely pathogenic for Glycogen storage disease, type V. Last evaluated: 2014-07-10. Review status: no assertion criteria provided. Collection method: literature only. Allele origin: unknown. Inheritance: Autosomal recessive inheritance. Not counted in ClinVar's aggregate classification.

GeneReviews
No classification provided. Condition: Glycogen storage disease, type V. Review status: no classification provided. Collection method: literature only. Allele origin: germline. Affected: yes. Not counted in ClinVar's aggregate classification.

Literature cited by the submitters: PubMed 25045239 (cited by 4 submitters); PubMed 7664468 (cited by 5 submitters); PubMed 7951211 (cited by Labcorp Genetics (formerly Invitae), Labcorp and Illumina Laboratory Services, Illumina); PubMed 8279469 (cited by 4 submitters); PubMed 28967462 (cited by Labcorp Genetics (formerly Invitae), Labcorp); PubMed 31320798 (cited by Labcorp Genetics (formerly Invitae), Labcorp and Women's Health and Genetics/Laboratory Corporation of America, LabCorp); PubMed 22608882 (cited by Women's Health and Genetics/Laboratory Corporation of America, LabCorp).

NM_005609.4(PYGM):c.2125TTC[1] (p.Phe710del)

Gene: PYGM (glycogen phosphorylase, muscle associated; minus strand). Cytogenetic location: 11q13.1.
Variant type: Microsatellite.
Coding change: c.2125TTC[1] on transcript NM_005609.4 (MANE Select); one copy of the 3-base unit TTC starting at c.2125; the reference has two copies in a row; one copy, 3 bases deleted; also written c.2128_2130del.
Protein change: p.Phe710del; deletes phenylalanine 710.
Molecular consequence: inframe deletion.
Genome position (GRCh38, 1-based): chr11:64,750,423-64,750,425, GAA deleted on the plus strand (TTC on the coding strand, the reverse complement: PYGM is on the minus strand); deleting any 3 consecutive bases within chr11:64,750,423-64,750,429 gives the same sequence; the position shown is the placement nearest the transcript's 3' end. VCF-style (leftmost placement, unchanged base first): chr11-64750422-TGAA-T. GRCh37 (hg19) VCF-style: chr11-64517894-TGAA-T.
Other names: 708/709del; c.1861TTC[1], p.Phe622del (NM_001164716.1); c.2128_2130del (NM_005609.4); c.2128_2130delTTC (NM_005609.2); short protein forms F710del, F622del.
Identifiers: ClinVar variation 139609 (VCV000139609.35), dbSNP rs527236147, ClinGen allele CA345698.